The following is an entry in ClinVar:

ClinVar aggregate classification (germline): Uncertain significance (1 of 4 stars; one submission).

Submission:

Labcorp Genetics (formerly Invitae), Labcorp
Classification: Uncertain significance. Last evaluated: 2022-05-04. Review status: criteria provided, single submitter. Criteria: Invitae Variant Classification Sherloc (09022015). Collection method: clinical testing. Allele origin: germline.
Comment: This variant has not been reported in the literature in individuals affected with SCLT1-related conditions. This variant is not present in population databases (gnomAD no frequency). This sequence change replaces threonine, which is neutral and polar, with arginine, which is basic and polar, at codon 129 of the SCLT1 protein (p.Thr129Arg). In summary, the available evidence is currently insufficient to determine the role of this variant in disease. Therefore, it has been classified as a Variant of Uncertain Significance. Algorithms developed to predict the effect of missense changes on protein structure and function (SIFT, PolyPhen-2, Align-GVGD) all suggest that this variant is likely to be tolerated.

NM_144643.4(SCLT1):c.386C>G (p.Thr129Arg)

Gene: SCLT1 (sodium channel and clathrin linker 1; minus strand). Cytogenetic location: 4q28.2.
Variant type: single nucleotide variant.
Coding change: c.386C>G on transcript NM_144643.4 (MANE Select); coding-DNA position 386, C replaced by G.
Protein change: p.Thr129Arg; replaces threonine 129 with arginine.
Molecular consequence: missense variant.
Genome position (GRCh38, 1-based): chr4:129,003,781, G>C on the plus strand (C>G on the coding strand, the complement: SCLT1 is on the minus strand). VCF-style: chr4-129003781-G-C. GRCh37 (hg19) VCF-style: chr4-129924936-G-C.
Other names: c.386C>G, p.Thr129Arg (NM_001410807.1); short protein forms T129R.
Identifiers: ClinVar variation 2133861 (VCV002133861.4), dbSNP rs758794944, ClinGen allele CA358183220.
Genomic context (GRCh38, chr4:129,003,781, plus strand): 5'-TAAAAATACATGTCACTCACTTGATTGGCTAGCTGCAATTGTTCTTGAAGGTTTCTGACT[G>C]TTTCATCATCTGCATATATGTCAGTTCCTACCTCTGTGCCCAGGGGAAAGGCCTCCAATT-3'
Protein context (NP_653244.2, residues 119-139): VGTDIYADDE[Thr129Arg]VRNLQEQLQL